The following is an entry in ClinVar:

NM_138713.4(NFAT5):c.3076A>G (p.Met1026Val)

Gene: NFAT5 (nuclear factor of activated T cells 5; plus strand). Cytogenetic location: 16q22.1.
Variant type: single nucleotide variant.
Coding change: c.3076A>G on transcript NM_138713.4 (MANE Select); coding-DNA position 3076, A replaced by G.
Protein change: p.Met1026Val; replaces methionine 1026 with valine.
Molecular consequence: missense variant.
Genome position (GRCh38, 1-based): chr16:69,692,901, A>G. VCF-style: chr16-69692901-A-G. GRCh37 (hg19) VCF-style: chr16-69726804-A-G.
Other names: c.3073A>G, p.Met1025Val (NM_001113178.3); c.2401A>G, p.Met801Val (NM_001367709.1); c.3022A>G, p.Met1008Val (NM_006599.4); c.2794A>G, p.Met932Val (NM_138714.4, NM_173214.3, NM_173215.3); short protein forms M932V, M1008V, M1026V, M801V, M1025V.
Identifiers: ClinVar variation 2879006 (VCV002879006.3), dbSNP rs1046212103, ClinGen allele CA283373904.

ClinVar aggregate classification (germline): Uncertain significance (1 of 4 stars; one submission).

Conditions:
Immunodeficiency. Identifiers: MedGen C0021051, MONDO:0021094, HP:0002721.

Allele frequency attached by ClinVar (database versions not stated): gnomAD exomes below 0.00001.

Submission:

Labcorp Genetics (formerly Invitae), Labcorp
Classification: Uncertain significance for Immunodeficiency. Last evaluated: 2023-07-18. Review status: criteria provided, single submitter. Criteria: Invitae Variant Classification Sherloc (09022015). Collection method: clinical testing. Allele origin: germline.
Comment: In summary, the available evidence is currently insufficient to determine the role of this variant in disease. Therefore, it has been classified as a Variant of Uncertain Significance. An algorithm developed to predict the effect of missense changes on protein structure and function (PolyPhen-2) suggests that this variant is likely to be tolerated. This variant has not been reported in the literature in individuals affected with NFAT5-related conditions. This variant is not present in population databases (gnomAD no frequency). This sequence change replaces methionine, which is neutral and non-polar, with valine, which is neutral and non-polar, at codon 932 of the NFAT5 protein (p.Met932Val).